The following is an entry in ClinVar:

ClinVar aggregate classification (germline): Likely pathogenic (1 of 4 stars; one submission).

Conditions:
Progressive sclerosing poliodystrophy (MTDPS4A). Also called: ALPERS PROGRESSIVE INFANTILE POLIODYSTROPHY; NEURONAL DEGENERATION OF CHILDHOOD WITH LIVER DISEASE, PROGRESSIVE; Alpers Syndrome; ALPERS DIFFUSE DEGENERATION OF CEREBRAL GRAY MATTER WITH HEPATIC CIRRHOSIS; Alpers-Huttenlocher Syndrome; Alpers-Huttenlocher Syndrome (AHS). Identifiers: Orphanet 726, MedGen C0205710, MONDO:0008758, OMIM 203700.

Submission:

Victorian Clinical Genetics Services, Murdoch Childrens Research Institute
Classification: Likely pathogenic for Progressive sclerosing poliodystrophy. Last evaluated: 2025-07-22. Review status: criteria provided, single submitter. Criteria: ACMG Guidelines, 2015. Collection method: clinical testing. Allele origin: germline. Affected: yes.
Comment: This variant is classified as Likely pathogenic. Evidence in support of pathogenic classification: Variant is absent from gnomAD (v2, v3 and v4); Missense variant predicted to be damaging by in silico tool(s) or highly conserved with a major amino acid change. Additional information: Variant is predicted to result in a missense amino acid change from leucine to proline; This variant is heterozygous; This gene is associated with both recessive and dominant disease. Variants are usually inherited in a recessive manner, however progressive external ophthalmoplegia can also be dominant when heterozygous variants are located in the highly conserved active site of motif B of the polymerase domain (PMID: 30451971); Alternative amino acid change(s) at the same position are present in gnomAD (Highest allele count: v4: 1 heterozygote(s), 0 homozygote(s)); This variant has no previous evidence of pathogenicity; No published segregation evidence has been identified for this variant; No published functional evidence has been identified for this variant; No comparable missense variants have previous evidence for pathogenicity; Variant is located in the annotated exonuclease domain (PMID: 16024923); Loss of function is a known mechanism of disease in this gene and is associated with mitochondrial disease (MONDO:0044970), POLG-related; Variants in this gene are known to have variable expressivity (PMID: 20301791).

Literature cited by the submitters: PubMed 20301791; PubMed 30451971; PubMed 16024923.

NM_002693.3(POLG):c.875T>C (p.Leu292Pro)

Gene: POLG (DNA polymerase gamma, catalytic subunit; minus strand). Cytogenetic location: 15q26.1.
Variant type: single nucleotide variant.
Coding change: c.875T>C on transcript NM_002693.3 (MANE Select); coding-DNA position 875, T replaced by C.
Protein change: p.Leu292Pro; replaces leucine 292 with proline.
Molecular consequence: missense variant.
Genome position (GRCh38, 1-based): chr15:89,329,091, A>G on the plus strand (T>C on the coding strand, the complement: POLG is on the minus strand). VCF-style: chr15-89329091-A-G. GRCh37 (hg19) VCF-style: chr15-89872322-A-G.
Other names: c.875T>C, p.Leu292Pro (NM_001126131.2); short protein forms L292P.
Identifiers: ClinVar variation 4531513 (VCV004531513.1).
Genomic context (GRCh38, chr15:89,329,091, plus strand): 5'-CACAGACTGCGCTGGAAGCTGCTTAGCCCTGAGATGGCCATGTGCATGCTCATGGTGTCC[A>G]GGAAACGCATGCGGGAACCCTGAGGAGGAGGAGGAGAAAAGGGAAGGGAAGGAGGGAGGC-3'
Protein context (NP_002684.1, residues 282-302): YLIQGSRMRF[Leu292Pro]DTMSMHMAIS